The following is an entry in ClinVar:

NM_000069.3(CACNA1S):c.2688GAGGGTGCT[1] (p.898VLR[1])

Gene: CACNA1S (calcium voltage-gated channel subunit alpha1 S; minus strand). Cytogenetic location: 1q32.1.
Variant type: Microsatellite.
Coding change: c.2688GAGGGTGCT[1] on transcript NM_000069.3 (MANE Select); one copy of the 9-base unit GAGGGTGCT starting at c.2688; the reference has two copies in a row; one copy, 9 bases deleted.
Protein change: p.898VLR[1].
Molecular consequence: inframe deletion.
Genome position (GRCh38, 1-based): chr1:201,066,269-201,066,277, AGCACCCTC deleted on the plus strand (GAGGGTGCT on the coding strand, the reverse complement: CACNA1S is on the minus strand); deleting any 9 consecutive bases within chr1:201,066,269-201,066,288 gives the same sequence; the position shown is the placement nearest the transcript's 3' end. VCF-style (leftmost placement, unchanged base first): chr1-201066268-GAGCACCCTC-G. GRCh37 (hg19) VCF-style: chr1-201035396-GAGCACCCTC-G.
Identifiers: ClinVar variation 3760168 (VCV003760168.2).

ClinVar aggregate classification (germline): Uncertain significance (1 of 4 stars; one submission).

Conditions:
Hypokalemic periodic paralysis, type 1. Also called: Hypokalemic Periodic Paralysis Type 1 (AD); HypoPP. Identifiers: Orphanet 681, MedGen C3714580, MONDO:0042979, OMIM 170400.
Malignant hyperthermia, susceptibility to, 5 (MHS5). Also called: CACNA1S-Related Malignant Hyperthermia Susceptibility. Identifiers: Orphanet 423, MedGen C1866077, MONDO:0011163, OMIM 601887.

Submission:

Labcorp Genetics (formerly Invitae), Labcorp
Classification: Uncertain significance for Hypokalemic periodic paralysis, type 1; Malignant hyperthermia, susceptibility to, 5. Last evaluated: 2024-12-24. Review status: criteria provided, single submitter. Criteria: Invitae Variant Classification Sherloc (09022015). Collection method: clinical testing. Allele origin: germline.
Comment: This variant, c.2697_2705del, results in the deletion of 3 amino acid(s) of the CACNA1S protein (p.Val901_Arg903del), but otherwise preserves the integrity of the reading frame. This variant is not present in population databases (gnomAD no frequency). This variant has not been reported in the literature in individuals affected with CACNA1S-related conditions. Experimental studies and prediction algorithms are not available or were not evaluated, and the functional significance of this variant is currently unknown. In summary, the available evidence is currently insufficient to determine the role of this variant in disease. Therefore, it has been classified as a Variant of Uncertain Significance.